The following is an entry in ClinVar:

ClinVar aggregate classification (germline): Uncertain significance (1 of 4 stars; one submission).

Conditions:
Fanconi anemia (FA). Also called: Fanconi's anemia. Identifiers: Orphanet 84, MedGen C0015625, MeSH D005199, MONDO:0019391.

Allele frequency attached by ClinVar (database versions not stated): gnomAD exomes below 0.00001; gnomAD 0.00001.
gnomAD v4.1: 2 of 1,612,702 alleles (0.00012%); highest among the groups gnomAD compares: Non-Finnish European, 0.00017%; no homozygotes.

Submission:

Labcorp Genetics (formerly Invitae), Labcorp
Classification: Uncertain significance for Fanconi anemia. Last evaluated: 2022-08-23. Review status: criteria provided, single submitter. Criteria: Invitae Variant Classification Sherloc (09022015). Collection method: clinical testing. Allele origin: germline.
Comment: In summary, the available evidence is currently insufficient to determine the role of this variant in disease. Therefore, it has been classified as a Variant of Uncertain Significance. Algorithms developed to predict the effect of missense changes on protein structure and function (SIFT, PolyPhen-2, Align-GVGD) all suggest that this variant is likely to be tolerated. ClinVar contains an entry for this variant (Variation ID: 1024837). This sequence change replaces tyrosine, which is neutral and polar, with phenylalanine, which is neutral and non-polar, at codon 1059 of the FANCM protein (p.Tyr1059Phe). This variant is not present in population databases (gnomAD no frequency). This variant has not been reported in the literature in individuals affected with FANCM-related conditions.

NM_020937.4(FANCM):c.3176A>T (p.Tyr1059Phe)

Gene: FANCM (FA complementation group M; plus strand). Cytogenetic location: 14q21.2.
Variant type: single nucleotide variant.
Coding change: c.3176A>T on transcript NM_020937.4 (MANE Select); coding-DNA position 3176, A replaced by T.
Protein change: p.Tyr1059Phe; replaces tyrosine 1059 with phenylalanine.
Molecular consequence: missense variant.
Genome position (GRCh38, 1-based): chr14:45,175,930, A>T. VCF-style: chr14-45175930-A-T. GRCh37 (hg19) VCF-style: chr14-45645133-A-T.
Other names: c.3098A>T, p.Tyr1033Phe (NM_001308133.2); short protein forms Y1033F, Y1059F.
Identifiers: ClinVar variation 1024837 (VCV001024837.8), dbSNP rs1888656410, ClinGen allele CA389600092.